The following is an entry in ClinVar:

ClinVar aggregate classification (germline): Benign (1 of 4 stars; one submission).

Allele frequency attached by ClinVar (database versions not stated): 1000 Genomes Project 30x 0.00078; 1000 Genomes Project 0.00100; ExAC 0.00392; gnomAD 0.00449; ESP Exome Variant Server 0.00584.
gnomAD v4.1: 10,676 of 1,613,986 alleles (0.66%); highest among the groups gnomAD compares: Non-Finnish European, 0.8%; 49 homozygotes.

Submission:

CeGaT Center for Human Genetics Tuebingen
Classification: Benign. Last evaluated: 2022-06-01. Review status: criteria provided, single submitter. Criteria: CeGaT Center For Human Genetics Tuebingen Variant Classification Criteria Version 2. Collection method: clinical testing. Allele origin: germline. Affected: yes. Observed: 1 variant allele.
Comment: RIMBP2: BP4, BS1, BS2

NM_001393629.1(RIMBP2):c.1079A>T (p.Asn360Ile)

Gene: RIMBP2 (RIMS binding protein 2; minus strand). Cytogenetic location: 12q24.33.
Variant type: single nucleotide variant.
Coding change: c.1079A>T on transcript NM_001393629.1 (MANE Select); coding-DNA position 1079, A replaced by T.
Protein change: p.Asn360Ile; replaces asparagine 360 with isoleucine.
Molecular consequence: missense variant.
Genome position (GRCh38, 1-based): chr12:130,442,273, T>A on the plus strand (A>T on the coding strand, the complement: RIMBP2 is on the minus strand). VCF-style: chr12-130442273-T-A. GRCh37 (hg19) VCF-style: chr12-130926818-T-A.
Other names: c.1079A>T, p.Asn360Ile (NM_001393624.1, NM_001393625.1, NM_001393626.1 and 19 more transcripts); c.1028A>T, p.Asn343Ile (NM_015347.5); c.752A>T, p.Asn251Ile (NM_001351233.2); short protein forms N251I, N343I, N360I.
Identifiers: ClinVar variation 2643594 (VCV002643594.24), dbSNP rs78067928, ClinGen allele CA6878366.